The following is an entry in ClinVar:

ClinVar aggregate classification (germline): Uncertain significance. Review status: criteria provided, multiple submitters, no conflicts (2 of 4 stars). 5 submissions from 5 submitters: Uncertain significance (5). Last evaluated 2026-02-19.

Conditions:
Inborn genetic diseases. Identifiers: MedGen C0950123, MeSH D030342.
Hypogonadotropic hypogonadism 5 with or without anosmia (KAL5). Also called: HYPOGONADOTROPIC HYPOGONADISM 5 WITH ANOSMIA; CHD7-Related GnRH Deficiency (Kallmann Syndrome 5); HYPOGONADOTROPHIC HYPOGONADISM 5 WITHOUT ANOSMIA. Identifiers: Orphanet 478, MedGen C3552553, MONDO:0012880, OMIM 612370. Disease mechanism: loss of function.
CHARGE syndrome (CHARGE). Also called: Hittner Hirsch Kreh syndrome; CHARGE ASSOCIATION--COLOBOMA, HEART ANOMALY, CHOANAL ATRESIA, RETARDATION, GENITAL AND EAR ANOMALIES; Coloboma, heart anomaly, choanal atresia, retardation, genital and ear anomalies; CHARGE association; Hall-Hittner syndrome. Identifiers: Orphanet 138, MedGen C0265354, MONDO:0008965.

Allele frequency attached by ClinVar (database versions not stated): gnomAD exomes below 0.00001.
gnomAD v4.1: 1 of 1,612,274 alleles (0.000062%); highest among the groups gnomAD compares: African/African-American, 0.0013%; no homozygotes.

Submissions (5):

GeneDx
Classification: Uncertain significance. Last evaluated: 2026-02-19. Review status: criteria provided, single submitter. Criteria: GeneDx Variant Classification Process June 2021. Collection method: clinical testing. Allele origin: germline.
Comment: Not observed at significant frequency in large population cohorts (gnomAD); In silico analysis supports that this missense variant has a deleterious effect on protein structure/function; Has not been previously published as pathogenic or benign to our knowledge

Ambry Genetics
Classification: Uncertain significance for Inborn genetic diseases. Last evaluated: 2025-09-22. Review status: criteria provided, single submitter. Criteria: Ambry Variant Classification Scheme 2023. Collection method: clinical testing. Allele origin: germline.

Greenwood Genetic Center Diagnostic Laboratories, Greenwood Genetic Center
Classification: Uncertain significance. Last evaluated: 2025-01-28. Review status: criteria provided, single submitter. Criteria: ACMG Guidelines, 2015. Collection method: clinical testing. Allele origin: germline.
Comment: PM2, PP2, PP3

Labcorp Genetics (formerly Invitae), Labcorp
Classification: Uncertain significance for CHARGE syndrome. Last evaluated: 2022-12-06. Review status: criteria provided, single submitter. Criteria: Invitae Variant Classification Sherloc (09022015). Collection method: clinical testing. Allele origin: germline.
Comment: This sequence change replaces leucine, which is neutral and non-polar, with serine, which is neutral and polar, at codon 2744 of the CHD7 protein (p.Leu2744Ser). This variant is not present in population databases (gnomAD no frequency). This variant has not been reported in the literature in individuals affected with CHD7-related conditions. ClinVar contains an entry for this variant (Variation ID: 1353512). Advanced modeling of protein sequence and biophysical properties (such as structural, functional, and spatial information, amino acid conservation, physicochemical variation, residue mobility, and thermodynamic stability) performed at Invitae indicates that this missense variant is not expected to disrupt CHD7 protein function. In summary, the available evidence is currently insufficient to determine the role of this variant in disease. Therefore, it has been classified as a Variant of Uncertain Significance.

Fulgent Genetics
Classification: Uncertain significance for CHD7-related CHARGE syndrome; Hypogonadotropic hypogonadism 5 with or without anosmia. Last evaluated: 2022-03-10. Review status: criteria provided, single submitter. Criteria: ACMG Guidelines, 2015. Collection method: clinical testing. Allele origin: unknown.

NM_017780.4(CHD7):c.8231T>C (p.Leu2744Ser)

Gene: CHD7 (chromodomain helicase DNA binding protein 7; plus strand). Cytogenetic location: 8q12.2.
Variant type: single nucleotide variant.
Coding change: c.8231T>C on transcript NM_017780.4 (MANE Select); coding-DNA position 8231, T replaced by C.
Protein change: p.Leu2744Ser; replaces leucine 2744 with serine.
Molecular consequence: missense variant.
Genome position (GRCh38, 1-based): chr8:60,865,170, T>C. VCF-style: chr8-60865170-T-C. GRCh37 (hg19) VCF-style: chr8-61777729-T-C.
Other names: c.8231T>C (NM_017780.2); c.2084T>C, p.Leu695Ser (NM_001316690.1); short protein forms L2744S, L695S.
Identifiers: ClinVar variation 1353512 (VCV001353512.15), dbSNP rs1806181643, ClinGen allele CA371307839.
Genomic context (GRCh38, chr8:60,865,170, plus strand): 5'-AGATCGCCAGAGCAGCCGCGGCCGCCGCTGCTGTGGCCTCCACGTCAGGGATCAACCCTT[T>C]GCTGGTGAACAGCCTGTTTGCTGGAATGGACCTGACGAGCCTTCAGAATCTCCAGAATCT-3'
Protein context (NP_060250.2, residues 2734-2754): AVASTSGINP[Leu2744Ser]LVNSLFAGMD